The following is an entry in ClinVar:

ClinVar aggregate classification (germline): Benign (1 of 4 stars; one submission).

Allele frequency attached by ClinVar (database versions not stated): ESP Exome Variant Server 0.00431; 1000 Genomes Project 30x 0.01249; 1000 Genomes Project 0.01358.
gnomAD v4.1: 9,581 of 1,367,892 alleles (0.7%); highest among the groups gnomAD compares: East Asian, 4.4%; 66 homozygotes.

Submission:

CeGaT Center for Human Genetics Tuebingen
Classification: Benign. Last evaluated: 2024-02-01. Review status: criteria provided, single submitter. Criteria: CeGaT Center For Human Genetics Tuebingen Variant Classification Criteria Version 2. Collection method: clinical testing. Allele origin: germline. Affected: yes. Observed: 1 variant allele.
Comment: KALRN: PP2, BS1, BS2

NM_001388419.1(KALRN):c.5090C>A (p.Pro1697Gln)

Gene: KALRN (kalirin RhoGEF kinase; plus strand). Cytogenetic location: 3q21.2.
Variant type: single nucleotide variant.
Coding change: c.5090C>A on transcript NM_001388419.1 (MANE Select); coding-DNA position 5090, C replaced by A.
Protein change: p.Pro1697Gln; replaces proline 1697 with glutamine.
Molecular consequence: missense variant.
Genome position (GRCh38, 1-based): chr3:124,562,997, C>A. VCF-style: chr3-124562997-C-A. GRCh37 (hg19) VCF-style: chr3-124281844-C-A.
Other names: c.5084C>A, p.Pro1695Gln (NM_001024660.5, NM_001322988.2); c.3161C>A, p.Pro1054Gln (NM_001388412.1); short protein forms P1054Q, P1695Q, P1697Q.
Identifiers: ClinVar variation 3024845 (VCV003024845.22), dbSNP rs78202770, ClinGen allele CA2580300.